The following is an entry in ClinVar:

NM_182914.3(SYNE2):c.2477A>G (p.Asn826Ser)

Gene: SYNE2 (spectrin repeat containing nuclear envelope protein 2; plus strand). Cytogenetic location: 14q23.2.
Variant type: single nucleotide variant.
Coding change: c.2477A>G on transcript NM_182914.3 (MANE Select); coding-DNA position 2477, A replaced by G.
Protein change: p.Asn826Ser; replaces asparagine 826 with serine.
Molecular consequence: missense variant.
Genome position (GRCh38, 1-based): chr14:63,990,946, A>G. VCF-style: chr14-63990946-A-G. GRCh37 (hg19) VCF-style: chr14-64457664-A-G.
Other names: c.2477A>G, p.Asn826Ser (NM_015180.6); short protein forms N826S.
Identifiers: ClinVar variation 313495 (VCV000313495.15), dbSNP rs372150492, ClinGen allele CA7219714.
Genomic context (GRCh38, chr14:63,990,946, plus strand): 5'-AAGAATTTATTAAGAATTGGTCCCCGTGTTAATTTGAGAATTTTTTTGTCTTCAAGATCA[A>G]TGTGGTAAAACTCATTGCAGCGTTGAAGAACTTAACTGACGTTTCACCAGATTTGGACAT-3'
Protein context (NP_878918.2, residues 816-836): IQEAKEKVQI[Asn826Ser]VVKLIAALKN

ClinVar aggregate classification (germline): Conflicting classifications of pathogenicity. Review status: criteria provided, conflicting classifications (1 of 4 stars). 4 submissions from 4 submitters: Uncertain significance (1); Benign (1); Likely benign (2). Last evaluated 2025-03-31.

Conditions:
Emery-Dreifuss muscular dystrophy 5, autosomal dominant (EDMD5). Also called: EMERY-DREIFUSS MUSCULAR DYSTROPHY 5. Identifiers: Orphanet 261, MedGen C2751805, MONDO:0013072, OMIM 612999.

Allele frequency attached by ClinVar (database versions not stated): 1000 Genomes Project 30x 0.00016; ExAC 0.00018; gnomAD 0.00019; gnomAD exomes 0.00020 and 0.00037; TOPMed 0.00027; ESP Exome Variant Server 0.00034.
gnomAD v4.1: 563 of 1,614,060 alleles (0.035%); highest among the groups gnomAD compares: Non-Finnish European, 0.045%; no homozygotes.

Submissions (4):

Labcorp Genetics (formerly Invitae), Labcorp
Classification: Uncertain significance for Emery-Dreifuss muscular dystrophy 5, autosomal dominant. Last evaluated: 2025-03-31. Review status: criteria provided, single submitter. Criteria: Invitae Variant Classification Sherloc (09022015). Collection method: clinical testing. Allele origin: germline.
Comment: This sequence change replaces asparagine, which is neutral and polar, with serine, which is neutral and polar, at codon 826 of the SYNE2 protein (p.Asn826Ser). This variant is present in population databases (rs372150492, gnomAD 0.03%), and has an allele count higher than expected for a pathogenic variant. This variant has not been reported in the literature in individuals affected with SYNE2-related conditions. ClinVar contains an entry for this variant (Variation ID: 313495). An algorithm developed to predict the effect of missense changes on protein structure and function outputs the following: PolyPhen-2: "Benign". The serine amino acid residue is found in multiple mammalian species, which suggests that this missense change does not adversely affect protein function. In summary, the available evidence is currently insufficient to determine the role of this variant in disease. Therefore, it has been classified as a Variant of Uncertain Significance.

Revvity Omics, Revvity
Classification: Likely benign for Emery-Dreifuss muscular dystrophy 5, autosomal dominant. Last evaluated: 2023-08-31. Review status: criteria provided, single submitter. Criteria: ACMG Guidelines, 2015. Collection method: clinical testing. Allele origin: germline.

Department of Pathology and Laboratory Medicine, Sinai Health System
Classification: Likely benign for Emery-Dreifuss muscular dystrophy 5, autosomal dominant. Last evaluated: 2020-06-23. Review status: criteria provided, single submitter. Criteria: ACMG Guidelines, 2015. Collection method: research. Allele origin: germline.

Illumina Laboratory Services, Illumina
Classification: Benign for Emery-Dreifuss muscular dystrophy 5, autosomal dominant. Last evaluated: 2018-01-12. Review status: criteria provided, single submitter. Criteria: ICSL Variant Classification Criteria 13 December 2019. Collection method: clinical testing. Allele origin: germline.
Comment: This variant was observed in the ICSL laboratory as part of a predisposition screen in an ostensibly healthy population. It had not been previously curated by ICSL or reported in the Human Gene Mutation Database (HGMD: prior to June 1st, 2018), and was therefore a candidate for classification through an automated scoring system. Utilizing variant allele frequency, disease prevalence and penetrance estimates, and inheritance mode, an automated score was calculated to assess if this variant is too frequent to cause the disease. Based on the score and internal cut-off values, a variant classified as benign is not then subjected to further curation. The score for this variant resulted in a classification of benign for this disease.